The following is an entry in ClinVar:

NM_177438.3(DICER1):c.4588C>A (p.Pro1530Thr)

Gene: DICER1 (dicer 1, ribonuclease III; minus strand). Cytogenetic location: 14q32.13.
Variant type: single nucleotide variant.
Coding change: c.4588C>A on transcript NM_177438.3 (MANE Select); coding-DNA position 4588, C replaced by A.
Protein change: p.Pro1530Thr; replaces proline 1530 with threonine.
Molecular consequence: missense variant. On other transcripts: non-coding transcript variant (6).
Genome position (GRCh38, 1-based): chr14:95,096,332, G>T on the plus strand (C>A on the coding strand, the complement: DICER1 is on the minus strand). VCF-style: chr14-95096332-G-T. GRCh37 (hg19) VCF-style: chr14-95562669-G-T.
Other names: c.4588C>A, p.Pro1530Thr (NM_001195573.1, NM_001271282.3, NM_001291628.2 and 12 more transcripts); c.4306C>A, p.Pro1436Thr (NM_001395686.1); c.4183C>A, p.Pro1395Thr (NM_001395687.1, NM_001395688.1, NM_001395689.1 and 2 more transcripts); c.4021C>A, p.Pro1341Thr (NM_001395691.1); c.2905C>A, p.Pro969Thr (NM_001395697.1); short protein forms P1341T, P1395T, P1436T, P1530T, P969T.
Identifiers: ClinVar variation 3359390 (VCV003359390.2).

ClinVar aggregate classification (germline): Uncertain significance. Review status: criteria provided, multiple submitters, no conflicts (2 of 4 stars). 2 submissions from 2 submitters: Uncertain significance (2). Last evaluated 2025-12-24.

Conditions:
DICER1-related tumor predisposition. Also called: DICER1-related pleuropulmonary blastoma cancer predisposition syndrome; DICER1 syndrome. Identifiers: Orphanet 284343, MedGen C3839822, MONDO:0100216.

Submissions (2):

Labcorp Genetics (formerly Invitae), Labcorp
Classification: Uncertain significance for DICER1-related tumor predisposition. Last evaluated: 2025-12-24. Review status: criteria provided, single submitter. Criteria: Invitae Variant Classification Sherloc (09022015). Collection method: clinical testing. Allele origin: germline.
Comment: This sequence change replaces proline, which is neutral and non-polar, with threonine, which is neutral and polar, at codon 1530 of the DICER1 protein (p.Pro1530Thr). This variant is not present in population databases (gnomAD no frequency). This variant has not been reported in the literature in individuals affected with DICER1-related conditions. ClinVar contains an entry for this variant (Variation ID: 3359390). Invitae Evidence Modeling of protein sequence and biophysical properties (such as structural, functional, and spatial information, amino acid conservation, physicochemical variation, residue mobility, and thermodynamic stability) indicates that this missense variant is not expected to disrupt DICER1 protein function with a negative predictive value of 95%. In summary, the available evidence is currently insufficient to determine the role of this variant in disease. Therefore, it has been classified as a Variant of Uncertain Significance.

GeneDx
Classification: Uncertain significance. Last evaluated: 2023-05-30. Review status: criteria provided, single submitter. Criteria: GeneDx Variant Classification Process June 2021. Collection method: clinical testing. Allele origin: germline. Affected: yes.
Comment: Not observed at significant frequency in large population cohorts (gnomAD); In silico analysis supports that this missense variant does not alter protein structure/function; Has not been previously published as pathogenic or benign to our knowledge